The following is an entry in ClinVar:

NM_000260.4(MYO7A):c.1615A>T (p.Ile539Phe)

Gene: MYO7A (myosin VIIA; plus strand). Cytogenetic location: 11q13.5.
Variant type: single nucleotide variant.
Coding change: c.1615A>T on transcript NM_000260.4 (MANE Select); coding-DNA position 1615, A replaced by T.
Protein change: p.Ile539Phe; replaces isoleucine 539 with phenylalanine.
Molecular consequence: missense variant.
Genome position (GRCh38, 1-based): chr11:77,162,913, A>T. VCF-style: chr11-77162913-A-T. GRCh37 (hg19) VCF-style: chr11-76873959-A-T.
Other names: c.1615A>T, p.Ile539Phe (NM_001127180.2); c.1582A>T, p.Ile528Phe (NM_001369365.1); short protein forms I528F, I539F.
Identifiers: ClinVar variation 1422772 (VCV001422772.7), dbSNP rs781794387, ClinGen allele CA6197530.

ClinVar aggregate classification (germline): Uncertain significance (1 of 4 stars; one submission).

Allele frequency attached by ClinVar (database versions not stated): ExAC 0.00001; gnomAD 0.00001; TOPMed 0.00001; gnomAD exomes below 0.00001.
gnomAD v4.1: 65 of 1,613,578 alleles (0.004%); highest among the groups gnomAD compares: Non-Finnish European, 0.0053%; no homozygotes.

Submission:

Labcorp Genetics (formerly Invitae), Labcorp
Classification: Uncertain significance. Last evaluated: 2024-07-05. Review status: criteria provided, single submitter. Criteria: Invitae Variant Classification Sherloc (09022015). Collection method: clinical testing. Allele origin: germline.
Comment: This sequence change replaces isoleucine, which is neutral and non-polar, with phenylalanine, which is neutral and non-polar, at codon 539 of the MYO7A protein (p.Ile539Phe). This variant is present in population databases (rs781794387, gnomAD 0.003%). This variant has not been reported in the literature in individuals affected with MYO7A-related conditions. ClinVar contains an entry for this variant (Variation ID: 1422772). Advanced modeling of protein sequence and biophysical properties (such as structural, functional, and spatial information, amino acid conservation, physicochemical variation, residue mobility, and thermodynamic stability) performed at Invitae indicates that this missense variant is not expected to disrupt MYO7A protein function with a negative predictive value of 95%. In summary, the available evidence is currently insufficient to determine the role of this variant in disease. Therefore, it has been classified as a Variant of Uncertain Significance.